The following is an entry in ClinVar:

NM_016038.4(SBDS):c.694G>A (p.Gly232Ser)

Gene: SBDS (SBDS ribosome maturation factor; minus strand). Cytogenetic location: 7q11.21.
Variant type: single nucleotide variant.
Coding change: c.694G>A on transcript NM_016038.4 (MANE Select); coding-DNA position 694, G replaced by A.
Protein change: p.Gly232Ser; replaces glycine 232 with serine.
Molecular consequence: missense variant.
Genome position (GRCh38, 1-based): chr7:66,988,430, C>T on the plus strand (G>A on the coding strand, the complement: SBDS is on the minus strand). VCF-style: chr7-66988430-C-T. GRCh37 (hg19) VCF-style: chr7-66453417-C-T.
Other names: short protein forms G232S.
Identifiers: ClinVar variation 4843095 (VCV004843095.1).
Genomic context (GRCh38, chr7:66,988,430, plus strand): 5'-GTCATTCAAATTTCTCATCTCCTTCTTCTACATCTTTCAGATTGAGTACTTCCAAAGAAC[C>T]TTTGCCTTTAGTTTCCTTTTTTATTAGCTCATCAATTTCTCGGAAGCAGCCCGGGTCAAT-3'
Protein context (NP_057122.2, residues 222-242): ELIKKETKGK[Gly232Ser]SLEVLNLKDV

ClinVar aggregate classification (germline): Uncertain significance (1 of 4 stars; one submission).

Conditions:
Inborn genetic diseases. Identifiers: MedGen C0950123, MeSH D030342.

Submission:

Ambry Genetics
Classification: Uncertain significance for Inborn genetic diseases. Last evaluated: 2025-12-21. Review status: criteria provided, single submitter. Criteria: Ambry Variant Classification Scheme 2023. Collection method: clinical testing. Allele origin: germline.
Comment: The p.G232S variant (also known as c.694G>A), located in coding exon 5 of the SBDS gene, results from a G to A substitution at nucleotide position 694. The glycine at codon 232 is replaced by serine, an amino acid with similar properties. This amino acid position is conserved. In addition, this alteration is predicted to be deleterious by in silico analysis. Based on the available evidence, the clinical significance of this variant remains unclear.